The following is an entry in ClinVar:

NM_025114.4(CEP290):c.3176del (p.Ile1059fs)

Gene: CEP290 (centrosomal protein 290; minus strand). Cytogenetic location: 12q21.32.
Variant type: Deletion.
Coding change: c.3176del on transcript NM_025114.4 (MANE Select); coding-DNA position 3176, one base deleted (T; older notation c.3176delT).
Protein change: p.Ile1059fs; shifts the reading frame from isoleucine 1059.
Molecular consequence: frameshift variant.
Genome position (GRCh38, 1-based): chr12:88,093,903, A deleted on the plus strand (T on the coding strand, the reverse complement: CEP290 is on the minus strand). VCF-style (leftmost placement, unchanged base first): chr12-88093902-TA-T. GRCh37 (hg19) VCF-style: chr12-88487679-TA-T.
Other names: c.3176delT (NM_025114.4, NM_025114.3); short protein forms I1059fs.
Identifiers: ClinVar variation 217629 (VCV000217629.32), dbSNP rs863225184, ClinGen allele CA279338.

ClinVar aggregate classification (germline): Pathogenic. Review status: criteria provided, multiple submitters, no conflicts (2 of 4 stars). 4 submissions from 4 submitters: Pathogenic (4). Last evaluated 2023-10-24.

Conditions:
CEP290-related disorder. Also called: CEP290-related disorders; CEP290-related condition. Identifiers: MedGen CN239314.
Meckel-Gruber syndrome. Also called: DYSENCEPHALIA SPLANCHNOCYSTICA; Dysencephalia splachnocystica; GRUBER SYNDROME. Identifiers: Orphanet 564, MedGen C0265215, MONDO:0018921.
Joubert syndrome. Also called: Familial aplasia of the vermis; JOUBERT-BOLTSHAUSER SYNDROME. Identifiers: Orphanet 475, MedGen C5979921, MONDO:0018772.
Nephronophthisis. Also called: Juvenile Nephronophthisis. Identifiers: Orphanet 655, MedGen C0687120, MONDO:0019005, HP:0000090.
Joubert syndrome 5 (JBTS5). Identifiers: Orphanet 2318, MedGen C1857780, MONDO:0012432, OMIM 610188.
Abnormality of the nervous system. Also called: Congenital nervous system disorder. Identifiers: MedGen C0497552, MONDO:0002320, HP:0000707.

Submissions (4):

Blueprint Genetics
Classification: Pathogenic for CEP290-related disorders. Last evaluated: 2023-10-24. Review status: criteria provided, single submitter. Criteria: ACMG Guidelines, 2015. Collection method: clinical testing. Allele origin: germline. Affected: yes. Observed: 4 variant alleles.

Kariminejad - Najmabadi Pathology & Genetics Center
Classification: Pathogenic for Abnormality of the nervous system. Last evaluated: 2021-07-10. Review status: criteria provided, single submitter. Criteria: ACMG Guidelines, 2015. Collection method: clinical testing. Allele origin: germline. Affected: yes.

Labcorp Genetics (formerly Invitae), Labcorp
Classification: Pathogenic for Joubert syndrome; Meckel-Gruber syndrome; Nephronophthisis. Last evaluated: 2020-06-27. Review status: criteria provided, single submitter. Criteria: Invitae Variant Classification Sherloc (09022015). Collection method: clinical testing. Allele origin: germline.
Comment: Loss-of-function variants in CEP290 are known to be pathogenic (PMID: 16909394, 17345604, 20690115, 25377065, 28559085). This variant has been observed to be homozygous in an individual affected with Joubert syndrome (PMID: 16682970). ClinVar contains an entry for this variant (Variation ID: 217629). This variant is not present in population databases (ExAC no frequency). This sequence change creates a premature translational stop signal (p.Ile1059Lysfs*6) in the CEP290 gene. It is expected to result in an absent or disrupted protein product. For these reasons, this variant has been classified as Pathogenic.

UW Hindbrain Malformation Research Program, University of Washington
Classification: Pathogenic for Joubert syndrome 5. Last evaluated: 2015-02-23. Review status: criteria provided, single submitter. Criteria: Bachmann-Gagescu et al. (J Med Genet. 2015). Collection method: research. Allele origin: unknown. Affected: yes.

Literature cited by the submitters: PubMed 16909394 (cited by Labcorp Genetics (formerly Invitae), Labcorp); PubMed 17345604 (cited by Labcorp Genetics (formerly Invitae), Labcorp); PubMed 20690115 (cited by Labcorp Genetics (formerly Invitae), Labcorp); PubMed 25377065 (cited by Labcorp Genetics (formerly Invitae), Labcorp); PubMed 28559085 (cited by Labcorp Genetics (formerly Invitae), Labcorp); PubMed 16682970 (cited by Labcorp Genetics (formerly Invitae), Labcorp).